The following is an entry in ClinVar:

NM_015311.3(OBSL1):c.4000G>A (p.Gly1334Arg)

Gene: OBSL1 (obscurin like cytoskeletal adaptor 1; minus strand). Cytogenetic location: 2q35.
Variant type: single nucleotide variant.
Coding change: c.4000G>A on transcript NM_015311.3 (MANE Select); coding-DNA position 4000, G replaced by A.
Protein change: p.Gly1334Arg; replaces glycine 1334 with arginine.
Molecular consequence: missense variant.
Genome position (GRCh38, 1-based): chr2:219,557,409, C>T on the plus strand (G>A on the coding strand, the complement: OBSL1 is on the minus strand). VCF-style: chr2-219557409-C-T. GRCh37 (hg19) VCF-style: chr2-220422131-C-T.
Other names: c.4000G>A, p.Gly1334Arg (NM_001173431.2); c.4000G>A (NM_015311.2); short protein forms G1334R.
Identifiers: ClinVar variation 1445296 (VCV001445296.4), dbSNP rs772929618, ClinGen allele CA2130699.
Genomic context (GRCh38, chr2:219,557,409, plus strand): 5'-CGCTGACAAGGAAGATGCGGCTGTCCTGGGGCGCATCGCACAGGTACTCCCCAGCGTCCC[C>T]GCTCCGTGCCCCCTGCACCCGCAGCACCTGCCTGGCCCCGGCCTGCTCCAGCTGCACCCG-3'
Protein context (NP_056126.1, residues 1324-1344): QVLRVQGARS[Gly1334Arg]DAGEYLCDAP

ClinVar aggregate classification (germline): Conflicting classifications of pathogenicity. Review status: criteria provided, conflicting classifications (1 of 4 stars). 2 submissions from 2 submitters: Uncertain significance (1); Likely benign (1). Last evaluated 2024-01-19.

Conditions:
Inborn genetic diseases. Identifiers: MedGen C0950123, MeSH D030342.

Allele frequency attached by ClinVar (database versions not stated): gnomAD 0.00003 and 0.00004; TOPMed 0.00009; gnomAD exomes 0.00013; ExAC 0.00033.

Submissions (2):

Ambry Genetics
Classification: Likely benign for Inborn genetic diseases. Last evaluated: 2024-01-19. Review status: criteria provided, single submitter. Criteria: Ambry Variant Classification Scheme 2023. Collection method: clinical testing. Allele origin: germline.

Labcorp Genetics (formerly Invitae), Labcorp
Classification: Uncertain significance. Last evaluated: 2022-06-11. Review status: criteria provided, single submitter. Criteria: Invitae Variant Classification Sherloc (09022015). Collection method: clinical testing. Allele origin: germline.
Comment: This sequence change replaces glycine, which is neutral and non-polar, with arginine, which is basic and polar, at codon 1334 of the OBSL1 protein (p.Gly1334Arg). This variant is present in population databases (rs772929618, gnomAD 0.1%). This variant has not been reported in the literature in individuals affected with OBSL1-related conditions. Algorithms developed to predict the effect of missense changes on protein structure and function output the following: SIFT: "Tolerated"; PolyPhen-2: "Benign"; Align-GVGD: "Class C0". The arginine amino acid residue is found in multiple mammalian species, which suggests that this missense change does not adversely affect protein function. In summary, the available evidence is currently insufficient to determine the role of this variant in disease. Therefore, it has been classified as a Variant of Uncertain Significance.